The following is an entry in ClinVar:

NM_000022.4(ADA):c.96-3C>T

Genes: ADA (adenosine deaminase; minus strand), LOC107303343 (adenosine deaminase intronic regulatory elements; plus strand). Cytogenetic location: 20q13.12.
Variant type: single nucleotide variant.
Coding change: c.96-3C>T on transcript NM_000022.4 (MANE Select); 3 bases into the intron before coding-DNA position 96, C replaced by T.
Molecular consequence: intron variant.
Genome position (GRCh38, 1-based): chr20:44,629,172, G>A on the plus strand (C>T on the coding strand, the complement: ADA is on the minus strand). VCF-style: chr20-44629172-G-A. GRCh37 (hg19) VCF-style: chr20-43257813-G-A.
Other names: c.-194-3C>T (NM_001322050.2); c.96-3C>T (NM_001322051.2).
Identifiers: ClinVar variation 969827 (VCV000969827.7), dbSNP rs771692807, ClinGen allele CA9871761.

ClinVar aggregate classification (germline): Uncertain significance. Review status: criteria provided, single submitter (1 of 4 stars). 2 submissions from 2 submitters: Uncertain significance (1). 1 of the submissions does not count toward it. Last evaluated 2025-01-23.

Conditions:
Severe combined immunodeficiency, autosomal recessive, T cell-negative, B cell-negative, NK cell-negative, due to adenosine deaminase deficiency. Also called: ADA deficiency; Adenosine deaminase deficient severe combined immunodeficiency; Severe combined immunodeficiency due to ADA deficiency; ADA-SCID; Adenosine Deaminase Deficiency; SCID DUE TO ADA DEFICIENCY. Identifiers: Orphanet 277, MedGen C0392607, MONDO:0007064, OMIM 102700.

Allele frequency attached by ClinVar (database versions not stated): gnomAD exomes below 0.00001; TOPMed below 0.00001; ExAC 0.00001.

Submissions (2):

Labcorp Genetics (formerly Invitae), Labcorp
Classification: Uncertain significance for Severe combined immunodeficiency, autosomal recessive, T cell-negative, B cell-negative, NK cell-negative, due to adenosine deaminase deficiency. Last evaluated: 2025-01-23. Review status: criteria provided, single submitter. Criteria: Invitae Variant Classification Sherloc (09022015). Collection method: clinical testing. Allele origin: germline.
Comment: This sequence change falls in intron 2 of the ADA gene. It does not directly change the encoded amino acid sequence of the ADA protein. It affects a nucleotide within the consensus splice site. This variant is not present in population databases (gnomAD no frequency). This variant has not been reported in the literature in individuals affected with ADA-related conditions. ClinVar contains an entry for this variant (Variation ID: 969827). Variants that disrupt the consensus splice site are a relatively common cause of aberrant splicing (PMID: 17576681, 9536098). Algorithms developed to predict the effect of sequence changes on RNA splicing suggest that this variant is not likely to affect RNA splicing. In summary, the available evidence is currently insufficient to determine the role of this variant in disease. Therefore, it has been classified as a Variant of Uncertain Significance.

Natera, Inc.
Classification: Uncertain significance for Severe combined immunodeficiency due to ADA deficiency. Last evaluated: 2020-03-04. Review status: no assertion criteria provided. Collection method: clinical testing. Allele origin: germline. Not counted in ClinVar's aggregate classification.

Literature cited by the submitters: PubMed 17576681 (cited by Labcorp Genetics (formerly Invitae), Labcorp); PubMed 9536098 (cited by Labcorp Genetics (formerly Invitae), Labcorp).